The following is an entry in ClinVar:

NM_032040.5(CCDC8):c.982G>A (p.Gly328Arg)

Gene: CCDC8 (coiled-coil domain containing 8 subunit of 3M complex; minus strand). Cytogenetic location: 19q13.32.
Variant type: single nucleotide variant.
Coding change: c.982G>A on transcript NM_032040.5 (MANE Select); coding-DNA position 982, G replaced by A.
Protein change: p.Gly328Arg; replaces glycine 328 with arginine.
Molecular consequence: missense variant.
Genome position (GRCh38, 1-based): chr19:46,411,829, C>T on the plus strand (G>A on the coding strand, the complement: CCDC8 is on the minus strand). VCF-style: chr19-46411829-C-T. GRCh37 (hg19) VCF-style: chr19-46915086-C-T.
Other names: short protein forms G328R.
Identifiers: ClinVar variation 1352667 (VCV001352667.8), dbSNP rs1244399337, ClinGen allele CA406460497.

ClinVar aggregate classification (germline): Uncertain significance (1 of 4 stars; one submission).

Allele frequency attached by ClinVar (database versions not stated): TOPMed below 0.00001; gnomAD 0.00001.

Submission:

Labcorp Genetics (formerly Invitae), Labcorp
Classification: Uncertain significance. Last evaluated: 2022-07-12. Review status: criteria provided, single submitter. Criteria: Invitae Variant Classification Sherloc (09022015). Collection method: clinical testing. Allele origin: germline.
Comment: This sequence change replaces glycine, which is neutral and non-polar, with arginine, which is basic and polar, at codon 328 of the CCDC8 protein (p.Gly328Arg). This variant is present in population databases (no rsID available, gnomAD 0.007%). This variant has not been reported in the literature in individuals affected with CCDC8-related conditions. ClinVar contains an entry for this variant (Variation ID: 1352667). Algorithms developed to predict the effect of missense changes on protein structure and function output the following: SIFT: "Tolerated"; PolyPhen-2: "Benign"; Align-GVGD: "Class C0". The arginine amino acid residue is found in multiple mammalian species, which suggests that this missense change does not adversely affect protein function. In summary, the available evidence is currently insufficient to determine the role of this variant in disease. Therefore, it has been classified as a Variant of Uncertain Significance.